The following is an entry in ClinVar:

ClinVar aggregate classification (germline): Uncertain significance (1 of 4 stars; one submission).

Conditions:
Anterior segment dysgenesis. Also called: Ocular anterior segment dysgenesis. Identifiers: Orphanet 88632, MedGen C1862839, MONDO:0019503, HP:0007700.
Congenital primary aphakia. Also called: Anterior segment dysgenesis 2, multiple subtypes; ANTERIOR SEGMENT DYSGENESIS 2. Identifiers: Orphanet 83461, MedGen C1853230, MONDO:0012456, OMIM 610256.

Submission:

Labcorp Genetics (formerly Invitae), Labcorp
Classification: Uncertain significance for Anterior segment dysgenesis; Congenital primary aphakia. Last evaluated: 2025-11-27. Review status: criteria provided, single submitter. Criteria: Invitae Variant Classification Sherloc (09022015). Collection method: clinical testing. Allele origin: germline.
Comment: This sequence change affects codon 233 of the FOXE3 mRNA. It is a 'silent' change, meaning that it does not change the encoded amino acid sequence of the FOXE3 protein. This variant is not present in population databases (gnomAD no frequency). This variant has not been reported in the literature in individuals affected with FOXE3-related conditions. In summary, the available evidence is currently insufficient to determine the role of this variant in disease. Therefore, it has been classified as a Variant of Uncertain Significance.

NM_012186.3(FOXE3):c.699C>A (p.Gly233=)

Genes: FOXE3 (forkhead box E3; plus strand), LINC01389 (long independently transcribed non-coding RNA 1389; minus strand). Cytogenetic location: 1p33.
Variant type: single nucleotide variant.
Coding change: c.699C>A on transcript NM_012186.3 (MANE Select); coding-DNA position 699, C replaced by A.
Protein change: p.Gly233=; no amino-acid change (glycine 233 retained).
Molecular consequence: synonymous variant.
Genome position (GRCh38, 1-based): chr1:47,417,014, C>A. VCF-style: chr1-47417014-C-A. GRCh37 (hg19) VCF-style: chr1-47882686-C-A.
Identifiers: ClinVar variation 4785835 (VCV004785835.1).